The following is an entry in ClinVar:

ClinVar aggregate classification (germline): Uncertain significance. Review status: criteria provided, multiple submitters, no conflicts (2 of 4 stars). 2 submissions from 2 submitters: Uncertain significance (2). Last evaluated 2025-04-19.

Conditions:
Inborn genetic diseases. Identifiers: MedGen C0950123, MeSH D030342.

gnomAD v4.1: 55 of 1,613,870 alleles (0.0034%); highest among the groups gnomAD compares: South Asian, 0.016%; no homozygotes.

Submissions (2):

Ambry Genetics
Classification: Uncertain significance for Inborn genetic diseases. Last evaluated: 2025-04-19. Review status: criteria provided, single submitter. Criteria: Ambry Variant Classification Scheme 2023. Collection method: clinical testing. Allele origin: germline.

Labcorp Genetics (formerly Invitae), Labcorp
Classification: Uncertain significance. Last evaluated: 2025-01-28. Review status: criteria provided, single submitter. Criteria: Invitae Variant Classification Sherloc (09022015). Collection method: clinical testing. Allele origin: germline.
Comment: This sequence change replaces glutamic acid, which is acidic and polar, with lysine, which is basic and polar, at codon 820 of the ADAMTSL4 protein (p.Glu820Lys). This variant is present in population databases (rs587666522, gnomAD 0.02%). This variant has not been reported in the literature in individuals affected with ADAMTSL4-related conditions. Invitae Evidence Modeling of protein sequence and biophysical properties (such as structural, functional, and spatial information, amino acid conservation, physicochemical variation, residue mobility, and thermodynamic stability) indicates that this missense variant is not expected to disrupt ADAMTSL4 protein function with a negative predictive value of 80%. In summary, the available evidence is currently insufficient to determine the role of this variant in disease. Therefore, it has been classified as a Variant of Uncertain Significance.

NM_019032.6(ADAMTSL4):c.2458G>A (p.Glu820Lys)

Gene: ADAMTSL4 (ADAMTS like 4; plus strand). Cytogenetic location: 1q21.2.
Variant type: single nucleotide variant.
Coding change: c.2458G>A on transcript NM_019032.6 (MANE Select); coding-DNA position 2458, G replaced by A.
Protein change: p.Glu820Lys; replaces glutamic acid 820 with lysine.
Molecular consequence: missense variant.
Genome position (GRCh38, 1-based): chr1:150,558,548, G>A. VCF-style: chr1-150558548-G-A. GRCh37 (hg19) VCF-style: chr1-150531024-G-A.
Other names: c.2341G>A, p.Glu781Lys (NM_001288607.2); c.2527G>A, p.Glu843Lys (NM_001288608.2); c.2458G>A, p.Glu820Lys (NM_001378596.1, NM_025008.5); short protein forms E781K, E843K, E820K.
Identifiers: ClinVar variation 4010588 (VCV004010588.2).